The following is an entry in ClinVar:

NM_198525.3(KIF7):c.3766_3783del (p.Glu1256_Thr1261del)

Gene: KIF7 (kinesin family member 7; minus strand). Cytogenetic location: 15q26.1.
Variant type: Deletion.
Coding change: c.3766_3783del on transcript NM_198525.3 (MANE Select); coding-DNA positions 3766 to 3783, 18 bases deleted (GAGGGGGCCCCCCGCACC).
Protein change: p.Glu1256_Thr1261del.
Molecular consequence: inframe deletion.
Genome position (GRCh38, 1-based): chr15:89,628,668-89,628,685, GGTGCGGGGGGCCCCCTC deleted on the plus strand (GAGGGGGCCCCCCGCACC on the coding strand, the reverse complement: KIF7 is on the minus strand). VCF-style (leftmost placement, unchanged base first): chr15-89628667-GGGTGCGGGGGGCCCCCTC-G. GRCh37 (hg19) VCF-style: chr15-90171898-GGGTGCGGGGGGCCCCCTC-G.
Identifiers: ClinVar variation 1508548 (VCV001508548.6), dbSNP rs769689199, ClinGen allele CA7727532.

ClinVar aggregate classification (germline): Uncertain significance. Review status: criteria provided, multiple submitters, no conflicts (2 of 4 stars). 2 submissions from 2 submitters: Uncertain significance (2). Last evaluated 2024-04-04.

Conditions:
Acrocallosal syndrome (ACLS). Also called: HALLUX DUPLICATION, POSTAXIAL POLYDACTYLY, AND ABSENCE OF CORPUS CALLOSUM; Schinzel syndrome 1; Absence of corpus callosum with unusual facial appearance, mental deficiency, duplication of the halluces and polydactyly. Identifiers: Orphanet 36, MedGen C0796147, MONDO:0008708, OMIM 200990.

Allele frequency attached by ClinVar (database versions not stated): gnomAD exomes below 0.00001 and 0.00001; gnomAD 0.00001; ExAC 0.00002; TOPMed 0.00003.

Submissions (2):

Genomic Medicine Center of Excellence, King Faisal Specialist Hospital and Research Centre
Classification: Uncertain significance for Acrocallosal syndrome. Last evaluated: 2024-04-04. Review status: criteria provided, single submitter. Criteria: ACMG Guidelines, 2015. Collection method: clinical testing. Allele origin: germline.

Labcorp Genetics (formerly Invitae), Labcorp
Classification: Uncertain significance for Acrocallosal syndrome. Last evaluated: 2021-09-18. Review status: criteria provided, single submitter. Criteria: Invitae Variant Classification Sherloc (09022015). Collection method: clinical testing. Allele origin: germline.
Comment: This variant, c.3766_3783del, results in the deletion of 6 amino acid(s) of the KIF7 protein (p.Glu1256_Thr1261del), but otherwise preserves the integrity of the reading frame. This variant is present in population databases (rs769689199, ExAC 0.01%). This variant has not been reported in the literature in individuals affected with KIF7-related conditions. Experimental studies and prediction algorithms are not available or were not evaluated, and the functional significance of this variant is currently unknown. In summary, the available evidence is currently insufficient to determine the role of this variant in disease. Therefore, it has been classified as a Variant of Uncertain Significance.